The following is an entry in ClinVar:

NM_006218.4(PIK3CA):c.64G>A (p.Val22Ile)

Gene: PIK3CA (phosphatidylinositol-4,5-bisphosphate 3-kinase catalytic subunit alpha; plus strand). Cytogenetic location: 3q26.32.
Variant type: single nucleotide variant.
Coding change: c.64G>A on transcript NM_006218.4 (MANE Select); coding-DNA position 64, G replaced by A.
Protein change: p.Val22Ile; replaces valine 22 with isoleucine.
Molecular consequence: missense variant.
Genome position (GRCh38, 1-based): chr3:179,198,889, G>A. VCF-style: chr3-179198889-G-A. GRCh37 (hg19) VCF-style: chr3-178916677-G-A.
Other names: short protein forms V22I.
Identifiers: ClinVar variation 3306573 (VCV003306573.1).

ClinVar aggregate classification (germline): Uncertain significance (1 of 4 stars; one submission).

Conditions:
Inborn genetic diseases. Identifiers: MedGen C0950123, MeSH D030342.

gnomAD v4.1: 1 of 1,604,798 alleles (0.000062%); highest among the groups gnomAD compares: Non-Finnish European, 0.000085%; no homozygotes.

Submission:

Ambry Genetics
Classification: Uncertain significance for Inborn genetic diseases. Last evaluated: 2024-04-30. Review status: criteria provided, single submitter. Criteria: Ambry Variant Classification Scheme 2023. Collection method: clinical testing. Allele origin: germline.
Comment: The p.V22I variant (also known as c.64G>A), located in coding exon 1 of the PIK3CA gene, results from a G to A substitution at nucleotide position 64. The valine at codon 22 is replaced by isoleucine, an amino acid with highly similar properties. This amino acid position is conserved. In addition, the in silico prediction for this alteration is inconclusive. Based on the available evidence, the clinical significance of this variant remains unclear.